The following is an entry in ClinVar:

NM_001365999.1(SZT2):c.7743-3T>C

Gene: SZT2 (SZT2 subunit of KICSTOR complex; plus strand). Cytogenetic location: 1p34.2.
Variant type: single nucleotide variant.
Coding change: c.7743-3T>C on transcript NM_001365999.1 (MANE Select); 3 bases into the intron before coding-DNA position 7743, T replaced by C.
Molecular consequence: intron variant.
Genome position (GRCh38, 1-based): chr1:43,441,997, T>C. VCF-style: chr1-43441997-T-C. GRCh37 (hg19) VCF-style: chr1-43907668-T-C.
Other names: c.7572-3T>C (NM_015284.4).
Identifiers: ClinVar variation 1525213 (VCV001525213.3), dbSNP rs371132362, ClinGen allele CA810327.

ClinVar aggregate classification (germline): Uncertain significance (1 of 4 stars; one submission).

Allele frequency attached by ClinVar (database versions not stated): gnomAD exomes below 0.00001 and 0.00002; gnomAD 0.00001; ExAC 0.00002; TOPMed 0.00002; ESP Exome Variant Server 0.00008.
gnomAD v4.1: 8 of 1,610,902 alleles (0.0005%); highest among the groups gnomAD compares: African/African-American, 0.0027%; no homozygotes.

Submission:

Labcorp Genetics (formerly Invitae), Labcorp
Classification: Uncertain significance. Last evaluated: 2021-06-16. Review status: criteria provided, single submitter. Criteria: Invitae Variant Classification Sherloc (09022015). Collection method: clinical testing. Allele origin: germline.
Comment: This sequence change falls in intron 54 of the SZT2 gene. It does not directly change the encoded amino acid sequence of the SZT2 protein. It affects a nucleotide within the consensus splice site of the intron. This variant is present in population databases (rs371132362, ExAC 0.02%). This variant has not been reported in the literature in individuals with SZT2-related conditions. Nucleotide substitutions within the consensus splice site are a relatively common cause of aberrant splicing (PMID: 17576681, 9536098). Algorithms developed to predict the effect of sequence changes on RNA splicing suggest that this variant is not likely to affect RNA splicing, but this prediction has not been confirmed by published transcriptional studies. In summary, the available evidence is currently insufficient to determine the role of this variant in disease. Therefore, it has been classified as a Variant of Uncertain Significance.

Literature cited by the submitters: PubMed 17576681; PubMed 9536098.